The following is an entry in ClinVar:

ClinVar aggregate classification (germline): Uncertain significance. Review status: criteria provided, multiple submitters, no conflicts (2 of 4 stars). 2 submissions from 2 submitters: Uncertain significance (2). Last evaluated 2025-05-14.

Conditions:
Inborn genetic diseases. Identifiers: MedGen C0950123, MeSH D030342.

Allele frequency attached by ClinVar (database versions not stated): gnomAD 0.00004 and 0.00003; gnomAD exomes below 0.00001; TOPMed 0.00002.
gnomAD v4.1: 5 of 1,614,016 alleles (0.00031%); highest among the groups gnomAD compares: African/African-American, 0.0067%; no homozygotes.

Submissions (2):

Ambry Genetics
Classification: Uncertain significance for Inborn genetic diseases. Last evaluated: 2025-05-14. Review status: criteria provided, single submitter. Criteria: Ambry Variant Classification Scheme 2023. Collection method: clinical testing. Allele origin: germline.

GeneDx
Classification: Uncertain significance. Last evaluated: 2016-12-08. Review status: criteria provided, single submitter. Criteria: GeneDx Variant Classification (06012015). Collection method: clinical testing. Allele origin: germline. Affected: yes.
Comment: A variant of uncertain significance has been identified in the WWOX gene. The V240F variant has not been published as a pathogenic variant, nor has it been reported as a benign variant to our knowledge. The V240F variant is not observed in large population cohorts (Lek et al., 2016; 1000 Genomes Consortium et al., 2015; Exome Variant Server). The V240F variant is a semi-conservative amino acid substitution, which may impact secondary protein structure as these residues differ in some properties. This substitution occurs at a position that is conserved across species. However, in silico analysis is inconsistent in its predictions as to whether or not the variant is damaging to the protein structure/function. Therefore, based on the currently available information, it is unclear whether this variant is a pathogenic variant or a rare benign variant.

NM_016373.4(WWOX):c.718G>T (p.Val240Phe)

Gene: WWOX (WW domain containing oxidoreductase; plus strand). Cytogenetic location: 16q23.1.
Variant type: single nucleotide variant.
Coding change: c.718G>T on transcript NM_016373.4 (MANE Select); coding-DNA position 718, G replaced by T.
Protein change: p.Val240Phe; replaces valine 240 with phenylalanine.
Molecular consequence: missense variant.
Genome position (GRCh38, 1-based): chr16:78,424,982, G>T. VCF-style: chr16-78424982-G-T. GRCh37 (hg19) VCF-style: chr16-78458879-G-T.
Other names: c.379G>T, p.Val127Phe (NM_001291997.2); short protein forms V240F, V127F.
Identifiers: ClinVar variation 372549 (VCV000372549.2), dbSNP rs1057517847, ClinGen allele CA16042999.